The following is an entry in ClinVar:

NM_001136191.3(KANK2):c.1333G>A (p.Gly445Ser)

Gene: KANK2 (KN motif and ankyrin repeat domains 2; minus strand). Cytogenetic location: 19p13.2.
Variant type: single nucleotide variant.
Coding change: c.1333G>A on transcript NM_001136191.3 (MANE Select); coding-DNA position 1333, G replaced by A.
Protein change: p.Gly445Ser; replaces glycine 445 with serine.
Molecular consequence: missense variant.
Genome position (GRCh38, 1-based): chr19:11,178,637, C>T on the plus strand (G>A on the coding strand, the complement: KANK2 is on the minus strand). VCF-style: chr19-11178637-C-T. GRCh37 (hg19) VCF-style: chr19-11289313-C-T.
Other names: c.1333G>A, p.Gly445Ser (NM_001329451.2, NM_001379548.1, NM_001379549.1 and 15 more transcripts); short protein forms G445S.
Identifiers: ClinVar variation 3609836 (VCV003609836.2).

ClinVar aggregate classification (germline): Uncertain significance (1 of 4 stars; one submission).

Submission:

Labcorp Genetics (formerly Invitae), Labcorp
Classification: Uncertain significance. Last evaluated: 2024-04-14. Review status: criteria provided, single submitter. Criteria: Invitae Variant Classification Sherloc (09022015). Collection method: clinical testing. Allele origin: germline.
Comment: This sequence change replaces glycine, which is neutral and non-polar, with serine, which is neutral and polar, at codon 445 of the KANK2 protein (p.Gly445Ser). This variant is not present in population databases (gnomAD no frequency). This variant has not been reported in the literature in individuals affected with KANK2-related conditions. Algorithms developed to predict the effect of missense changes on protein structure and function output the following: SIFT: "Not Available"; PolyPhen-2: "Benign"; Align-GVGD: "Not Available". The serine amino acid residue is found in multiple mammalian species, which suggests that this missense change does not adversely affect protein function. In summary, the available evidence is currently insufficient to determine the role of this variant in disease. Therefore, it has been classified as a Variant of Uncertain Significance.